The following is an entry in ClinVar:

ClinVar aggregate classification (germline): Likely pathogenic. Review status: criteria provided, multiple submitters, no conflicts (2 of 4 stars). 5 submissions from 5 submitters: Likely pathogenic (4). 1 of the submissions does not count toward it. Last evaluated 2025-05-30.

Conditions:
Tyrosinemia type III. Also called: 4-HYDROXYPHENYLPYRUVIC ACID OXIDASE DEFICIENCY; Tyrosinemia type 3; 4-alpha hydroxyphenylpyruvic acid oxidase deficiency; 4-alpha hydroxyphenylpyruvate dioxygenase deficiency; 4-Hydroxyphenylpyruvate dioxygenase deficiency. Identifiers: Orphanet 69723, MedGen C0268623, MONDO:0010162, OMIM 276710.
Hawkinsinuria. Identifiers: Orphanet 2118, MedGen C2931042, MONDO:0007700, OMIM 140350, HP:0034457.

Allele frequency attached by ClinVar (database versions not stated): gnomAD 0.00001; TOPMed 0.00002; gnomAD exomes 0.00003; ExAC 0.00004.
gnomAD v4.1: 39 of 1,613,792 alleles (0.0024%); highest among the groups gnomAD compares: Non-Finnish European, 0.0033%; no homozygotes.

Submissions (5):

Women's Health and Genetics/Laboratory Corporation of America, LabCorp
Classification: Likely pathogenic for Tyrosinemia type III. Last evaluated: 2025-05-30. Review status: criteria provided, single submitter. Criteria: LabCorp Variant Classification Summary - May 2015. Collection method: clinical testing. Allele origin: germline.
Comment: Variant summary: HPD c.479A>G (p.Tyr160Cys) results in a non-conservative amino acid change in the encoded protein sequence. Algorithms developed to predict the effect of missense changes on protein structure and function are either unavailable or do not agree on the potential impact of this missense change. The variant allele was found at a frequency of 3.2e-05 in 251546 control chromosomes. c.479A>G has been observed in multiple individuals affected with Tyrosinemia Type 3 (Ruetschi_2000, Szymanska_2015). These data indicate that the variant is very likely to be associated with disease. To our knowledge, no experimental evidence demonstrating an impact on protein function has been reported. ClinVar contains an entry for this variant (Variation ID: 1573). Based on the evidence outlined above, the variant was classified as likely pathogenic.

GeneDx
Classification: Likely pathogenic. Last evaluated: 2025-02-20. Review status: criteria provided, single submitter. Criteria: GeneDx Variant Classification Process June 2021. Collection method: clinical testing. Allele origin: germline. Affected: yes.
Comment: Reported in the homozygous state in a patient diagnosed with hypertyrosinemia type 3 based on biochemical findings but with normal mental development and without any neurological symptoms (PMID: 28649543); Not observed at significant frequency in large population cohorts (gnomAD); In silico analysis supports that this missense variant has a deleterious effect on protein structure/function; This variant is associated with the following publications: (PMID: 31589614, 10942115, 36471409, 37817461, 31054541, 25255367, 32520295, 28649543)

Labcorp Genetics (formerly Invitae), Labcorp
Classification: Likely pathogenic for Tyrosinemia type III; Hawkinsinuria. Last evaluated: 2024-02-18. Review status: criteria provided, single submitter. Criteria: Invitae Variant Classification Sherloc (09022015). Collection method: clinical testing. Allele origin: germline.
Comment: This sequence change replaces tyrosine, which is neutral and polar, with cysteine, which is neutral and slightly polar, at codon 160 of the HPD protein (p.Tyr160Cys). This variant is present in population databases (rs137852865, gnomAD 0.007%). This missense change has been observed in individual(s) with tyrosinemia type III (PMID: 10942115, 28649543). It has also been observed to segregate with disease in related individuals. ClinVar contains an entry for this variant (Variation ID: 1573). Advanced modeling of protein sequence and biophysical properties (such as structural, functional, and spatial information, amino acid conservation, physicochemical variation, residue mobility, and thermodynamic stability) performed at Invitae indicates that this missense variant is expected to disrupt HPD protein function with a positive predictive value of 80%. In summary, the currently available evidence indicates that the variant is pathogenic, but additional data are needed to prove that conclusively. Therefore, this variant has been classified as Likely Pathogenic.

Fulgent Genetics
Classification: Likely pathogenic for Hawkinsinuria; Tyrosinemia type III. Last evaluated: 2024-01-31. Review status: criteria provided, single submitter. Criteria: ACMG Guidelines, 2015. Collection method: clinical testing. Allele origin: germline.

OMIM
Classification: Pathogenic for TYROSINEMIA, TYPE III. Last evaluated: 2000-06-01. Review status: no assertion criteria provided. Collection method: literature only. Allele origin: germline. Not counted in ClinVar's aggregate classification.

Literature cited by the submitters: PubMed 31028937 (cited by Women's Health and Genetics/Laboratory Corporation of America, LabCorp); PubMed 31589614 (cited by Women's Health and Genetics/Laboratory Corporation of America, LabCorp); PubMed 32520295 (cited by Women's Health and Genetics/Laboratory Corporation of America, LabCorp); PubMed 25255367 (cited by Women's Health and Genetics/Laboratory Corporation of America, LabCorp); PubMed 10942115 (cited by 3 submitters); PubMed 19630565 (cited by Women's Health and Genetics/Laboratory Corporation of America, LabCorp); PubMed 28649543 (cited by Women's Health and Genetics/Laboratory Corporation of America, LabCorp and Labcorp Genetics (formerly Invitae), Labcorp).

NM_002150.3(HPD):c.479A>G (p.Tyr160Cys)

Genes: HPD (4-hydroxyphenylpyruvate dioxygenase; minus strand), TIALD (transcript inducer of AURKA lysosomal degradation; plus strand). Cytogenetic location: 12q24.31.
Variant type: single nucleotide variant.
Coding change: c.479A>G on transcript NM_002150.3 (MANE Select); coding-DNA position 479, A replaced by G.
Protein change: p.Tyr160Cys; replaces tyrosine 160 with cysteine.
Molecular consequence: missense variant.
Genome position (GRCh38, 1-based): chr12:121,849,726, T>C on the plus strand (A>G on the coding strand, the complement: HPD is on the minus strand). VCF-style: chr12-121849726-T-C. GRCh37 (hg19) VCF-style: chr12-122287632-T-C.
Other names: c.362A>G, p.Tyr121Cys (NM_001171993.2); short protein forms Y160C, Y121C.
Identifiers: ClinVar variation 1573 (VCV000001573.12), dbSNP rs137852865, ClinGen allele CA115056.